The following is an entry in ClinVar:

ClinVar aggregate classification (germline): Uncertain significance. Review status: criteria provided, single submitter (1 of 4 stars). 2 submissions from 2 submitters: Uncertain significance (1). 1 of the submissions does not count toward it. Last evaluated 2025-01-22.

Conditions:
BCHE-related disorder. Also called: BCHE-related condition.
Inborn genetic diseases. Identifiers: MedGen C0950123, MeSH D030342.

Submissions (2):

Ambry Genetics
Classification: Uncertain significance for Inborn genetic diseases. Last evaluated: 2025-01-22. Review status: criteria provided, single submitter. Criteria: Ambry Variant Classification Scheme 2023. Collection method: clinical testing. Allele origin: germline.

PreventionGenetics, part of Exact Sciences
Classification: Uncertain significance for BCHE-related condition. Last evaluated: 2024-03-11. Review status: no assertion criteria provided. Collection method: clinical testing. Allele origin: germline. Not counted in ClinVar's aggregate classification.
Comment: The BCHE c.521A>G variant is predicted to result in the amino acid substitution p.Tyr174Cys. To our knowledge, this variant has not been reported in the literature. This variant is reported in 0.011% of alleles in individuals of Latino descent in gnomAD. At this time, the clinical significance of this variant is uncertain due to the absence of conclusive functional and genetic evidence.

NM_000055.4(BCHE):c.521A>G (p.Tyr174Cys)

Gene: BCHE (butyrylcholinesterase; minus strand). Cytogenetic location: 3q26.1.
Variant type: single nucleotide variant.
Coding change: c.521A>G on transcript NM_000055.4 (MANE Select); coding-DNA position 521, A replaced by G.
Protein change: p.Tyr174Cys; replaces tyrosine 174 with cysteine.
Molecular consequence: missense variant. On other transcripts: non-coding transcript variant (1).
Genome position (GRCh38, 1-based): chr3:165,830,513, T>C on the plus strand (A>G on the coding strand, the complement: BCHE is on the minus strand). VCF-style: chr3-165830513-T-C. GRCh37 (hg19) VCF-style: chr3-165548301-T-C.
Other names: c.521A>G (NM_000055.2); short protein forms Y174C.
Identifiers: ClinVar variation 3353174 (VCV003353174.2).